The following is an entry in ClinVar:

ClinVar aggregate classification (germline): Conflicting classifications of pathogenicity. Review status: criteria provided, conflicting classifications (1 of 4 stars). 3 submissions from 3 submitters: Uncertain significance (2); Likely benign (1). Last evaluated 2025-06-22.

Conditions:
Hereditary cancer-predisposing syndrome. Also called: Tumor predisposition; Hereditary neoplastic syndrome; Neoplastic Syndromes, Hereditary; Hereditary Cancer Syndrome. Identifiers: Orphanet 140162, MedGen C0027672, MeSH D009386, MONDO:0015356.
Familial adenomatous polyposis 2. Also called: MUTYH Polyposis; COLORECTAL ADENOMATOUS POLYPOSIS, AUTOSOMAL RECESSIVE; ADENOMAS, MULTIPLE COLORECTAL, AUTOSOMAL RECESSIVE; MUTYH-associated polyposis; MUTYH-related attenuated familial adenomatous polyposis; Adenomas, multiple colorectal. Identifiers: Orphanet 220460, Orphanet 247798, MedGen C3272841, MONDO:0012041, OMIM 608456.

Allele frequency attached by ClinVar (database versions not stated): gnomAD exomes below 0.00001; gnomAD 0.00001.
gnomAD v4.1: 12 of 1,614,000 alleles (0.00074%); highest among the groups gnomAD compares: Non-Finnish European, 0.001%; no homozygotes.

Submissions (3):

Labcorp Genetics (formerly Invitae), Labcorp
Classification: Uncertain significance for Familial adenomatous polyposis 2. Last evaluated: 2025-06-22. Review status: criteria provided, single submitter. Criteria: Invitae Variant Classification Sherloc (09022015). Collection method: clinical testing. Allele origin: germline.
Comment: This sequence change replaces glutamine, which is neutral and polar, with glutamic acid, which is acidic and polar, at codon 37 of the MUTYH protein (p.Gln37Glu). This variant is present in population databases (no rsID available, gnomAD 0.002%). This variant has not been reported in the literature in individuals affected with MUTYH-related conditions. ClinVar contains an entry for this variant (Variation ID: 533300). An algorithm developed to predict the effect of missense changes on protein structure and function outputs the following: PolyPhen-2: "Benign". The glutamic acid amino acid residue is found in multiple mammalian species, which suggests that this missense change does not adversely affect protein function. In summary, the available evidence is currently insufficient to determine the role of this variant in disease. Therefore, it has been classified as a Variant of Uncertain Significance.

All of Us Research Program, National Institutes of Health
Classification: Uncertain significance for Familial adenomatous polyposis 2. Last evaluated: 2023-06-28. Review status: criteria provided, single submitter. Criteria: ACMG Guidelines, 2015. Collection method: clinical testing. Allele origin: germline. Inheritance: Autosomal recessive inheritance. Observed: 2 variant alleles, 1 heterozygote, 1 homozygote.
Comment: This missense variant replaces glutamine with glutamic acid at codon 37 of the MUTYH protein. Computational prediction suggests that this variant may not impact protein structure and function (internally defined REVEL score threshold <= 0.5, PMID: 27666373). To our knowledge, functional studies have not been reported for this variant. This variant has not been reported in individuals affected with MUTYH-related disorders in the literature. This variant has been identified in 2/282876 chromosomes in the general population by the Genome Aggregation Database (gnomAD). The available evidence is insufficient to determine the role of this variant in disease conclusively. Therefore, this variant is classified as a Variant of Uncertain Significance.

This study involves interpretation of variants in research participants for the purpose of population health screening. Participant phenotype was not available at the time of variant classification. Additional details can be found in publication PMID: 35346344, PMCID: PMC8962531

Ambry Genetics
Classification: Likely benign for Hereditary cancer-predisposing syndrome. Last evaluated: 2020-01-24. Review status: criteria provided, single submitter. Criteria: Ambry Variant Classification Scheme 2023. Collection method: clinical testing. Allele origin: germline.

NM_001048174.2(MUTYH):c.67C>G (p.Gln23Glu)

Gene: MUTYH (mutY DNA glycosylase; minus strand). Cytogenetic location: 1p34.1.
Variant type: single nucleotide variant.
Coding change: c.67C>G on transcript NM_001048174.2 (MANE Select); coding-DNA position 67, C replaced by G.
Protein change: p.Gln23Glu; replaces glutamine 23 with glutamic acid.
Molecular consequence: missense variant. On other transcripts: 5 prime UTR variant (4), non-coding transcript variant (2).
Genome position (GRCh38, 1-based): chr1:45,334,439, G>C on the plus strand (C>G on the coding strand, the complement: MUTYH is on the minus strand). VCF-style: chr1-45334439-G-C. GRCh37 (hg19) VCF-style: chr1-45800111-G-C.
Other names: c.67C>G, p.Gln23Glu (NM_001048171.2, NM_001048172.2, NM_001048173.2 and 2 more transcripts); c.109C>G, p.Gln37Glu (NM_001128425.2, NM_001293190.2, NM_012222.3); c.-146C>G (NM_001293192.2, NM_001293196.2); c.-205C>G (NM_001350650.2); c.-141C>G (NM_001350651.2); short protein forms Q37E, Q23E.
Identifiers: ClinVar variation 533300 (VCV000533300.14), dbSNP rs1270853129, ClinGen allele CA340137106.